The following is an entry in ClinVar:

ClinVar aggregate classification (germline): Uncertain significance. Review status: criteria provided, multiple submitters, no conflicts (2 of 4 stars). 2 submissions from 2 submitters: Uncertain significance (2). Last evaluated 2025-12-11.

Conditions:
Cardiovascular phenotype. Identifiers: MedGen CN230736.

Allele frequency attached by ClinVar (database versions not stated): gnomAD exomes 0.00001; ExAC 0.00002.
gnomAD v4.1: 4 of 1,614,178 alleles (0.00025%); highest among the groups gnomAD compares: Non-Finnish European, 0.00025%; no homozygotes.

Submissions (2):

Ambry Genetics
Classification: Uncertain significance for Cardiovascular phenotype. Last evaluated: 2025-12-11. Review status: criteria provided, single submitter. Criteria: Ambry Variant Classification Scheme 2023. Collection method: clinical testing. Allele origin: germline.

Laboratory for Molecular Medicine, Mass General Brigham Personalized Medicine
Classification: Uncertain significance. Last evaluated: 2011-12-27. Review status: criteria provided, single submitter. Criteria: LMM Criteria. Collection method: clinical testing. Allele origin: germline. Observed: 1 variant allele.
Comment: The Ile77Val variant (ACTC) has not been previously reported. Isoleucine (Ile) at position 77 is highly conserved across evoluti onarily distant species, increasing the likelihood that a change would not be to lerated. Computational predictions on the impact to the protein are mixed (PolyP hen2 = benign, SIFT = pathogenic), though the accuracy of these tools is unknown . Additional information is needed to fully assess the clinical significance of the Ile77Val variant.

NM_005159.5(ACTC1):c.229A>G (p.Ile77Val)

Genes: ACTC1 (actin alpha cardiac muscle 1; minus strand), GJD2-DT (GJD2 divergent transcript; plus strand). Cytogenetic location: 15q14.
Variant type: single nucleotide variant.
Coding change: c.229A>G on transcript NM_005159.5 (MANE Select); coding-DNA position 229, A replaced by G.
Protein change: p.Ile77Val; replaces isoleucine 77 with valine.
Molecular consequence: missense variant.
Genome position (GRCh38, 1-based): chr15:34,793,470, T>C on the plus strand (A>G on the coding strand, the complement: ACTC1 is on the minus strand). VCF-style: chr15-34793470-T-C. GRCh37 (hg19) VCF-style: chr15-35085671-T-C.
Other names: short protein forms I77V.
Identifiers: ClinVar variation 45173 (VCV000045173.6), dbSNP rs397517056, ClinGen allele CA019696.